The following is an entry in ClinVar:

NM_002334.4(LRP4):c.3865G>A (p.Val1289Met)

Gene: LRP4 (LDL receptor related protein 4; minus strand). Cytogenetic location: 11p11.2.
Variant type: single nucleotide variant.
Coding change: c.3865G>A on transcript NM_002334.4 (MANE Select); coding-DNA position 3865, G replaced by A.
Protein change: p.Val1289Met; replaces valine 1289 with methionine.
Molecular consequence: missense variant.
Genome position (GRCh38, 1-based): chr11:46,875,516, C>T on the plus strand (G>A on the coding strand, the complement: LRP4 is on the minus strand). VCF-style: chr11-46875516-C-T. GRCh37 (hg19) VCF-style: chr11-46897067-C-T.
Other names: c.3865G>A (NM_002334.3); short protein forms V1289M.
Identifiers: ClinVar variation 1061575 (VCV001061575.7), dbSNP rs756641717, ClinGen allele CA5969468.

ClinVar aggregate classification (germline): Uncertain significance. Review status: criteria provided, multiple submitters, no conflicts (2 of 4 stars). 2 submissions from 2 submitters: Uncertain significance (2). Last evaluated 2025-01-08.

Conditions:
Cenani-Lenz syndactyly syndrome. Also called: SYNDACTYLY, TYPE VII; CENANI SYNDACTYLISM. Identifiers: Orphanet 3258, MedGen C1859309, MONDO:0008931, OMIM 212780.
Congenital myasthenic syndrome 17. Identifiers: Orphanet 590, MedGen C4225377, MONDO:0014578, OMIM 616304.
Sclerosteosis 2 (SOST2). Identifiers: Orphanet 3152, MedGen C3280402, MONDO:0013679, OMIM 614305.
Inborn genetic diseases. Identifiers: MedGen C0950123, MeSH D030342.

Allele frequency attached by ClinVar (database versions not stated): gnomAD 0.00001; TOPMed 0.00001; gnomAD exomes 0.00004; ExAC 0.00005.
gnomAD v4.1: 21 of 1,613,996 alleles (0.0013%); highest among the groups gnomAD compares: South Asian, 0.0044%; no homozygotes.

Submissions (2):

Ambry Genetics
Classification: Uncertain significance for Inborn genetic diseases. Last evaluated: 2025-01-08. Review status: criteria provided, single submitter. Criteria: Ambry Variant Classification Scheme 2023. Collection method: clinical testing. Allele origin: germline.

Labcorp Genetics (formerly Invitae), Labcorp
Classification: Uncertain significance for Cenani-Lenz syndactyly syndrome; Sclerosteosis 2; Congenital myasthenic syndrome 17. Last evaluated: 2021-09-02. Review status: criteria provided, single submitter. Criteria: Invitae Variant Classification Sherloc (09022015). Collection method: clinical testing. Allele origin: germline.
Comment: This sequence change replaces valine with methionine at codon 1289 of the LRP4 protein (p.Val1289Met). The valine residue is highly conserved and there is a small physicochemical difference between valine and methionine. This variant is present in population databases (rs756641717, ExAC 0.02%). This variant has not been reported in the literature in individuals affected with LRP4-related conditions. Algorithms developed to predict the effect of missense changes on protein structure and function are either unavailable or do not agree on the potential impact of this missense change (SIFT: "Deleterious"; PolyPhen-2: "Possibly Damaging"; Align-GVGD: "Class C15"). In summary, the available evidence is currently insufficient to determine the role of this variant in disease. Therefore, it has been classified as a Variant of Uncertain Significance.